The following is an entry in ClinVar:

NM_001113491.2(SEPTIN9):c.403G>A (p.Ala135Thr)

Gene: SEPTIN9 (septin 9; plus strand). Cytogenetic location: 17q25.3.
Variant type: single nucleotide variant.
Coding change: c.403G>A on transcript NM_001113491.2 (MANE Select); coding-DNA position 403, G replaced by A.
Protein change: p.Ala135Thr; replaces alanine 135 with threonine.
Molecular consequence: missense variant. On other transcripts: 5 prime UTR variant (2).
Genome position (GRCh38, 1-based): chr17:77,402,385, G>A. VCF-style: chr17-77402385-G-A. GRCh37 (hg19) VCF-style: chr17-75398467-G-A.
Other names: c.-90G>A (NM_001113492.2, NM_001113494.1); c.382G>A, p.Ala128Thr (NM_001113493.2); c.346G>A, p.Ala116Thr (NM_001293695.2); c.349G>A, p.Ala117Thr (NM_006640.5); short protein forms A116T, A117T, A128T, A135T.
Identifiers: ClinVar variation 1682599 (VCV001682599.7), dbSNP rs775951302, ClinGen allele CA8793199.

ClinVar aggregate classification (germline): Uncertain significance (1 of 4 stars; one submission).

Allele frequency attached by ClinVar (database versions not stated): gnomAD exomes below 0.00001; ExAC 0.00001; gnomAD 0.00001; TOPMed 0.00002.
gnomAD v4.1: 8 of 1,611,714 alleles (0.0005%); highest among the groups gnomAD compares: Non-Finnish European, 0.00068%; no homozygotes.

Submission:

Labcorp Genetics (formerly Invitae), Labcorp
Classification: Uncertain significance. Last evaluated: 2024-08-12. Review status: criteria provided, single submitter. Criteria: Invitae Variant Classification Sherloc (09022015). Collection method: clinical testing. Allele origin: germline.
Comment: This sequence change replaces alanine, which is neutral and non-polar, with threonine, which is neutral and polar, at codon 117 of the SEPT9 protein (p.Ala117Thr). This variant is present in population databases (rs775951302, gnomAD 0.0009%). This variant has not been reported in the literature in individuals affected with SEPT9-related conditions. ClinVar contains an entry for this variant (Variation ID: 1682599). Advanced modeling of protein sequence and biophysical properties (such as structural, functional, and spatial information, amino acid conservation, physicochemical variation, residue mobility, and thermodynamic stability) performed at Invitae indicates that this missense variant is not expected to disrupt SEPT9 protein function with a negative predictive value of 80%. In summary, the available evidence is currently insufficient to determine the role of this variant in disease. Therefore, it has been classified as a Variant of Uncertain Significance.